The following is an entry in ClinVar:

ClinVar aggregate classification (germline): Pathogenic (1 of 4 stars; one submission).

Conditions:
Cardiovascular phenotype. Identifiers: MedGen CN230736.
Hereditary cancer-predisposing syndrome. Also called: Neoplastic Syndromes, Hereditary; Tumor predisposition; Hereditary Cancer Syndrome; Hereditary neoplastic syndrome. Identifiers: Orphanet 140162, MedGen C0027672, MeSH D009386, MONDO:0015356.

Submission:

Ambry Genetics
Classification: Pathogenic for Cardiovascular phenotype; Hereditary cancer-predisposing syndrome. Last evaluated: 2026-06-05. Review status: criteria provided, single submitter. Criteria: Ambry Variant Classification Scheme 2023. Collection method: clinical testing. Allele origin: germline.
Comment: The c.3973_3974delAG pathogenic mutation, located in coding exon 29 of the NF1 gene, results from a deletion of two nucleotides at nucleotide positions 3973 to 3974, causing a translational frameshift with a predicted alternate stop codon (p.R1325Vfs*8). This variant is considered to be rare based on population cohorts in the Genome Aggregation Database (gnomAD). This alteration is expected to result in loss of function by premature protein truncation or nonsense-mediated mRNA decay. As such, this alteration is interpreted as a disease-causing mutation.

NM_001042492.3(NF1):c.3973_3974del (p.Arg1325fs)

Gene: NF1 (neurofibromin 1; plus strand). Cytogenetic location: 17q11.2.
Variant type: Deletion.
Coding change: c.3973_3974del on transcript NM_001042492.3 (MANE Select); coding-DNA positions 3973 to 3974, 2 bases deleted (AG; older notation c.3973_3974delAG).
Protein change: p.Arg1325fs; shifts the reading frame from arginine 1325.
Molecular consequence: frameshift variant.
Genome position (GRCh38, 1-based): chr17:31,236,020-31,236,021, AG deleted. VCF-style (leftmost placement, unchanged base first): chr17-31236019-CAG-C. GRCh37 (hg19) VCF-style: chr17-29563037-CAG-C.
Other names: c.3973_3974del, p.Arg1325fs (NM_000267.4); short protein forms R1325fs.
Identifiers: ClinVar variation 4860993 (VCV004860993.1).
Genomic context (GRCh38, chr17:31,236,019, plus strand): 5'-ATTACGAATTGTGATCACATCCTCTGATTGGCAACATGTTAGCTTTGAAGTGGATCCTAC[CAG>C]GTTTGTCATCTTTTCACATAGAACCGCTGTTTTTTGTTTTTTTTTTTTTGTTTGTTTGTT-3'